The following is an entry in ClinVar:

NM_001195553.2(DCX):c.557G>T (p.Arg186Leu)

Gene: DCX (doublecortin; minus strand). Cytogenetic location: Xq23.
Variant type: single nucleotide variant.
Coding change: c.557G>T on transcript NM_001195553.2 (MANE Select); coding-DNA position 557, G replaced by T.
Protein change: p.Arg186Leu; replaces arginine 186 with leucine.
Molecular consequence: missense variant.
Genome position (GRCh38, 1-based): chrX:111,401,138, C>A on the plus strand (G>T on the coding strand, the complement: DCX is on the minus strand). VCF-style: chrX-111401138-C-A. GRCh37 (hg19) VCF-style: chrX-110644366-C-A.
Other names: c.800G>T, p.Arg267Leu (NM_000555.3); c.557G>T, p.Arg186Leu (NM_001369370.1, NM_001369371.1, NM_001369372.1 and 5 more transcripts); c.557G>T (NM_178153.1); short protein forms R186L, R267L.
Identifiers: ClinVar variation 158478 (VCV000158478.7), dbSNP rs587783563, ClinGen allele CA171998.

ClinVar aggregate classification (germline): Pathogenic/Likely pathogenic. Review status: criteria provided, multiple submitters, no conflicts (2 of 4 stars). 3 submissions from 3 submitters: Pathogenic (2); Likely pathogenic (1). Last evaluated 2026-03-01.

Conditions:
Lissencephaly type 1 due to doublecortin gene mutation. Also called: LISSENCEPHALY, X-LINKED, 1; LISSENCEPHALY AND AGENESIS OF CORPUS CALLOSUM. Identifiers: Orphanet 2148, MedGen C4551968, MONDO:0010239, OMIM 300067.
Ectopic tissue. Also called: Heterotopia. Identifiers: MedGen C0008519.

Submissions (3):

Qatar Biomedical Research Institute, Hamad Bin Khalifa University
Classification: Likely pathogenic for Lissencephaly type 1 due to doublecortin gene mutation. Last evaluated: 2026-03-01. Review status: criteria provided, single submitter. Criteria: ACMG Guidelines, 2015. Collection method: research. Allele origin: de novo. Inheritance: Autosomal dominant inheritance. Affected: yes. Observed: 1 variant allele, 1 heterozygote.
Comment: This variant is absent from population databases (1000 Genomes, ExAC, gnomAD v2.1) and was uniformly predicted to be damaging by all applied in silico tools and reported as pathogenic in ClinVar. In accordance with ACMG/AMP guidelines, it was classified as Likely Pathogenic based on the criteria PM1 (located in a mutational hot spot and/or critical functional domain), PM2 (absent from controls), PP3 (supporting computational evidence), and PP5 (reputable source reports it as pathogenic). Given the proband's phenotype of subcortical band heterotopia and the com-pelling genetic evidence, the p.Arg186Leu variant is considered the disease-causing mutation in this individual.

GeneDx
Classification: Pathogenic. Last evaluated: 2022-09-29. Review status: criteria provided, single submitter. Criteria: GeneDx Variant Classification Process June 2021. Collection method: clinical testing. Allele origin: germline. Affected: yes.
Comment: Not observed at significant frequency in large population cohorts (gnomAD); In silico analysis supports that this missense variant has a deleterious effect on protein structure/function; This variant is associated with the following publications: (PMID: 20301364, 23365099)

Genetic Services Laboratory, University of Chicago
Classification: Pathogenic for Abnormality of neuronal migration. Last evaluated: 2013-02-08. Review status: criteria provided, single submitter. Criteria: ACMG Guidelines, 2007. Collection method: clinical testing. Allele origin: germline. Inheritance: Autosomal dominant inheritance. Affected: yes.